The following is an entry in ClinVar:

ClinVar aggregate classification (germline): Uncertain significance (1 of 4 stars; one submission).

Allele frequency attached by ClinVar (database versions not stated): ExAC 0.00001; gnomAD 0.00001; TOPMed 0.00001; gnomAD exomes 0.00002.
gnomAD v4.1: 34 of 1,613,442 alleles (0.0021%); highest among the groups gnomAD compares: Non-Finnish European, 0.0028%; no homozygotes.

Submission:

GeneDx
Classification: Uncertain significance. Last evaluated: 2022-07-01. Review status: criteria provided, single submitter. Criteria: GeneDx Variant Classification Process June 2021. Collection method: clinical testing. Allele origin: germline. Affected: yes.
Comment: Not observed at significant frequency in large population cohorts (gnomAD); In silico analysis supports that this missense variant has a deleterious effect on protein structure/function; Has not been previously published as pathogenic or benign to our knowledge

NM_000334.4(SCN4A):c.5186T>C (p.Val1729Ala)

Genes: GH-LCR (growth hormone locus control region; plus strand), SCN4A (sodium voltage-gated channel alpha subunit 4; minus strand). Cytogenetic location: 17q23.3.
Variant type: single nucleotide variant.
Coding change: c.5186T>C on transcript NM_000334.4 (MANE Select); coding-DNA position 5186, T replaced by C.
Protein change: p.Val1729Ala; replaces valine 1729 with alanine.
Molecular consequence: missense variant.
Genome position (GRCh38, 1-based): chr17:63,941,096, A>G on the plus strand (T>C on the coding strand, the complement: SCN4A is on the minus strand). VCF-style: chr17-63941096-A-G. GRCh37 (hg19) VCF-style: chr17-62018456-A-G.
Other names: short protein forms V1729A.
Identifiers: ClinVar variation 1810512 (VCV001810512.1), dbSNP rs778019474, ClinGen allele CA8708823.